The following is an entry in ClinVar:

ClinVar aggregate classification (germline): Uncertain significance (1 of 4 stars; one submission).

Allele frequency attached by ClinVar (database versions not stated): gnomAD 0.00005; ExAC 0.00007; TOPMed 0.00007; gnomAD exomes 0.00009.
gnomAD v4.1: 132 of 1,612,276 alleles (0.0082%); highest among the groups gnomAD compares: Middle Eastern, 0.033%; no homozygotes.

Submission:

Labcorp Genetics (formerly Invitae), Labcorp
Classification: Uncertain significance. Last evaluated: 2023-07-23. Review status: criteria provided, single submitter. Criteria: Invitae Variant Classification Sherloc (09022015). Collection method: clinical testing. Allele origin: germline.
Comment: This variant has not been reported in the literature in individuals affected with SCARB1-related conditions. This variant is present in population databases (rs780989061, gnomAD 0.03%). This sequence change replaces aspartic acid, which is acidic and polar, with asparagine, which is neutral and polar, at codon 215 of the SCARB1 protein (p.Asp215Asn). Advanced modeling of protein sequence and biophysical properties (such as structural, functional, and spatial information, amino acid conservation, physicochemical variation, residue mobility, and thermodynamic stability) performed at Invitae indicates that this missense variant is not expected to disrupt SCARB1 protein function. In summary, the available evidence is currently insufficient to determine the role of this variant in disease. Therefore, it has been classified as a Variant of Uncertain Significance.

NM_005505.5(SCARB1):c.643G>A (p.Asp215Asn)

Gene: SCARB1 (scavenger receptor class B member 1; minus strand). Cytogenetic location: 12q24.31.
Variant type: single nucleotide variant.
Coding change: c.643G>A on transcript NM_005505.5 (MANE Select); coding-DNA position 643, G replaced by A.
Protein change: p.Asp215Asn; replaces aspartic acid 215 with asparagine.
Molecular consequence: missense variant. On other transcripts: non-coding transcript variant (9).
Genome position (GRCh38, 1-based): chr12:124,811,953, C>T on the plus strand (G>A on the coding strand, the complement: SCARB1 is on the minus strand). VCF-style: chr12-124811953-C-T. GRCh37 (hg19) VCF-style: chr12-125296499-C-T.
Other names: c.643G>A, p.Asp215Asn (NM_001082959.2, NM_001367981.1, NM_001367983.1 and 6 more transcripts); c.520G>A, p.Asp174Asn (NM_001367982.1); short protein forms D174N, D215N.
Identifiers: ClinVar variation 2703089 (VCV002703089.3), dbSNP rs780989061, ClinGen allele CA6870486.
Genomic context (GRCh38, chr12:124,811,953, plus strand): 5'-CCACGAGGTGGATCCTGCTGATGTTCTGGACCCCCGTGAACACCGTGAAGAGCCCAGAGT[C>T]GGAGTTGTTGAGCTACAGACACAGCAGGGAACAGCATCGTAAGGCTTAGGCCTGCCATTG-3'
Protein context (NP_005496.4, residues 205-225): FGLFAELNNS[Asp215Asn]SGLFTVFTGV